The following is an entry in ClinVar:

NM_001854.4(COL11A1):c.4034G>T (p.Gly1345Val)

Gene: COL11A1 (collagen type XI alpha 1 chain; minus strand). Cytogenetic location: 1p21.1.
Variant type: single nucleotide variant.
Coding change: c.4034G>T on transcript NM_001854.4 (MANE Select); coding-DNA position 4034, G replaced by T.
Protein change: p.Gly1345Val; replaces glycine 1345 with valine.
Molecular consequence: missense variant. On other transcripts: non-coding transcript variant (1).
Genome position (GRCh38, 1-based): chr1:102,912,211, C>A on the plus strand (G>T on the coding strand, the complement: COL11A1 is on the minus strand). VCF-style: chr1-102912211-C-A. GRCh37 (hg19) VCF-style: chr1-103377767-C-A.
Other names: c.3917G>T, p.Gly1306Val (NM_001190709.2); c.4070G>T, p.Gly1357Val (NM_080629.3); c.3686G>T, p.Gly1229Val (NM_080630.4); short protein forms G1229V, G1306V, G1345V, G1357V.
Identifiers: ClinVar variation 4683163 (VCV004683163.1).
Genomic context (GRCh38, chr1:102,912,211, plus strand): 5'-AAACTTACTCGTTTTCCAGGAGGACCTGGTGGGCCAGCCTCACCAGATGGGCCAGGAGGA[C>A]CCTATAAAATGTGAAAAAATACCTTTAACAAAATTGGATATTATTTTGTGGCCCACATAA-3'
Protein context (NP_001845.3, residues 1335-1355): KGEDGDPGQP[Gly1345Val]PPGPSGEAGP

ClinVar aggregate classification (germline): Likely pathogenic (1 of 4 stars; one submission).

Conditions:
Stickler syndrome. Identifiers: Orphanet 828, MedGen C0265253, MONDO:0019354.

gnomAD v4.1: 1 of 1,607,886 alleles (0.000062%); highest among the groups gnomAD compares: Non-Finnish European, 0.000085%; no homozygotes.

Submission:

Cambridge Genomics Laboratory, East Genomic Laboratory Hub, NHS Genomic Medicine Service
Classification: Likely pathogenic for Stickler syndrome. Last evaluated: 2025-04-24. Review status: criteria provided, single submitter. Criteria: ACGS Best Practice Guidelines for Variant Classification in Rare Disease 2020. Collection method: clinical testing. Allele origin: germline. Affected: yes.
Comment: PM1_Strong,PM2,PP3,PP4